The following is an entry in ClinVar:

ClinVar aggregate classification (germline): Benign (1 of 4 stars; one submission).

Allele frequency attached by ClinVar (database versions not stated): gnomAD exomes 0.00323 and 0.00857; ExAC 0.01030; 1000 Genomes Project 0.03315; gnomAD 0.03446 and 0.03744; ESP Exome Variant Server 0.03537; 1000 Genomes Project 30x 0.03576; TOPMed 0.03828.
gnomAD v4.1: 10,105 of 1,603,166 alleles (0.63%); highest among the groups gnomAD compares: African/African-American, 12%; 557 homozygotes.

Submission:

GeneDx
Classification: Benign. Last evaluated: 2018-06-18. Review status: criteria provided, single submitter. Criteria: GeneDx Variant Classification (06012015). Collection method: clinical testing. Allele origin: germline. Affected: yes.
Comment: This variant is considered likely benign or benign based on one or more of the following criteria: it is a conservative change, it occurs at a poorly conserved position in the protein, it is predicted to be benign by multiple in silico algorithms, and/or has population frequency not consistent with disease.

NM_182961.4(SYNE1):c.778+39C>T

Gene: SYNE1 (spectrin repeat containing nuclear envelope protein 1; minus strand). Cytogenetic location: 6q25.2.
Variant type: single nucleotide variant.
Coding change: c.778+39C>T on transcript NM_182961.4 (MANE Select); 39 bases into the intron after coding-DNA position 778, C replaced by T.
Molecular consequence: intron variant.
Genome position (GRCh38, 1-based): chr6:152,505,162, G>A on the plus strand (C>T on the coding strand, the complement: SYNE1 is on the minus strand). VCF-style: chr6-152505162-G-A. GRCh37 (hg19) VCF-style: chr6-152826297-G-A.
Other names: c.799+39C>T (NM_033071.5).
Identifiers: ClinVar variation 674406 (VCV000674406.1), dbSNP rs9478334, ClinGen allele CA4059629.